The following is an entry in ClinVar:

ClinVar aggregate classification (germline): Likely pathogenic (1 of 4 stars; one submission).

Conditions:
Autosomal recessive limb-girdle muscular dystrophy type 2J (LGMDR10). Also called: Limb-girdle muscular dystrophy, type 2J; MUSCULAR DYSTROPHY, LIMB-GIRDLE, AUTOSOMAL RECESSIVE 10. Identifiers: Orphanet 140922, MedGen C1837342, MONDO:0012127, OMIM 608807.
Dilated cardiomyopathy 1G (CMD1G). Identifiers: Orphanet 154, MedGen C1858763, MONDO:0011400, OMIM 604145.

Submission:

Labcorp Genetics (formerly Invitae), Labcorp
Classification: Likely pathogenic for Dilated cardiomyopathy 1G; Autosomal recessive limb-girdle muscular dystrophy type 2J. Last evaluated: 2025-11-08. Review status: criteria provided, single submitter. Criteria: Invitae Variant Classification Sherloc (09022015). Collection method: clinical testing. Allele origin: germline.
Comment: This sequence change creates a premature translational stop signal (p.Glu21818*) in the TTN gene. While this is not anticipated to result in nonsense mediated decay, it is expected to create a truncated TTN protein. This variant is not present in population databases (gnomAD no frequency). This variant has not been reported in the literature in individuals affected with TTN-related conditions. This variant is located in the A band of TTN (PMID: 25589632). Truncating variants in this region are significantly overrepresented in patients affected with dilated cardiomyopathy (PMID: 25589632). Truncating variants in this region have also been reported in individuals affected with autosomal recessive centronuclear myopathy (PMID: 23975875). In summary, the currently available evidence indicates that the variant is pathogenic, but additional data are needed to prove that conclusively. Therefore, this variant has been classified as Likely Pathogenic.

Literature cited by the submitters: PubMed 25589632; PubMed 23975875.

NM_001267550.2(TTN):c.65452G>T (p.Glu21818Ter)

Genes: TTN (titin; minus strand), TTN-AS1 (TTN antisense RNA 1; plus strand). Cytogenetic location: 2q31.2.
Variant type: single nucleotide variant.
Coding change: c.65452G>T on transcript NM_001267550.2 (MANE Select); coding-DNA position 65452, G replaced by T.
Protein change: p.Glu21818Ter; replaces glutamic acid 21818 with a stop codon.
Molecular consequence: nonsense. On other transcripts: non-coding transcript variant (1).
Genome position (GRCh38, 1-based): chr2:178,583,730, C>A on the plus strand (G>T on the coding strand, the complement: TTN is on the minus strand). VCF-style: chr2-178583730-C-A. GRCh37 (hg19) VCF-style: chr2-179448457-C-A.
Other names: c.60529G>T, p.Glu20177Ter (NM_001256850.1); c.38257G>T, p.Glu12753Ter (NM_003319.4); c.57748G>T, p.Glu19250Ter (NM_133378.4); c.38632G>T, p.Glu12878Ter (NM_133432.3); c.38833G>T, p.Glu12945Ter (NM_133437.4); short protein forms E19250*, E20177*, E21818*, E12878*, E12945*, E12753*.
Identifiers: ClinVar variation 4786244 (VCV004786244.1).